The following is an entry in ClinVar:

ClinVar aggregate classification (germline): Likely pathogenic (1 of 4 stars; one submission).

Conditions:
RASA1-related disorder. Also called: RASA1-related condition.

Submission:

PreventionGenetics, part of Exact Sciences
Classification: Likely pathogenic for RASA1-related condition. Last evaluated: 2023-02-01. Review status: criteria provided, single submitter. Criteria: ACMG Guidelines, 2015. Collection method: clinical testing. Allele origin: germline.
Comment: The RASA1 c.2184+1G>A variant is predicted to disrupt the GT donor site and interfere with normal splicing. To our knowledge, this variant has not been reported in the literature or in a large population database, indicating this variant is rare. Variants that disrupt the consensus splice donor site in RASA1 are expected to be pathogenic. This variant is interpreted as likely pathogenic.

NM_002890.3(RASA1):c.2184+1G>A

Genes: CCNH (cyclin H; minus strand), RASA1 (RAS p21 protein activator 1; plus strand). Cytogenetic location: 5q14.3.
Variant type: single nucleotide variant.
Coding change: c.2184+1G>A on transcript NM_002890.3 (MANE Select); the canonical splice donor site of the intron after coding-DNA position 2184, G replaced by A.
Molecular consequence: splice donor variant. On other transcripts: intron variant (1).
Genome position (GRCh38, 1-based): chr5:87,376,566, G>A. VCF-style: chr5-87376566-G-A. GRCh37 (hg19) VCF-style: chr5-86672383-G-A.
Other names: c.1653+1G>A (NM_022650.3); c.933+18478C>T (NM_001364075.2).
Identifiers: ClinVar variation 2630115 (VCV002630115.1), dbSNP rs1761341362, ClinGen allele CA360379782.